The following is an entry in ClinVar:

ClinVar aggregate classification (germline): Uncertain significance (1 of 4 stars; one submission).

Allele frequency attached by ClinVar (database versions not stated): TOPMed below 0.00001; ExAC 0.00001.

Submission:

Labcorp Genetics (formerly Invitae), Labcorp
Classification: Uncertain significance. Last evaluated: 2022-09-27. Review status: criteria provided, single submitter. Criteria: Invitae Variant Classification Sherloc (09022015). Collection method: clinical testing. Allele origin: germline.
Comment: This variant has not been reported in the literature in individuals affected with ADGRV1-related conditions. In summary, the available evidence is currently insufficient to determine the role of this variant in disease. Therefore, it has been classified as a Variant of Uncertain Significance. Advanced modeling of protein sequence and biophysical properties (such as structural, functional, and spatial information, amino acid conservation, physicochemical variation, residue mobility, and thermodynamic stability) performed at Invitae indicates that this missense variant is not expected to disrupt ADGRV1 protein function. This variant is present in population databases (rs748969174, gnomAD 0.001%). This sequence change replaces isoleucine, which is neutral and non-polar, with threonine, which is neutral and polar, at codon 3306 of the ADGRV1 protein (p.Ile3306Thr).

NM_032119.4(ADGRV1):c.9917T>C (p.Ile3306Thr)

Gene: ADGRV1 (adhesion G protein-coupled receptor V1; plus strand). Cytogenetic location: 5q14.3.
Variant type: single nucleotide variant.
Coding change: c.9917T>C on transcript NM_032119.4 (MANE Select); coding-DNA position 9917, T replaced by C.
Protein change: p.Ile3306Thr; replaces isoleucine 3306 with threonine.
Molecular consequence: missense variant. On other transcripts: non-coding transcript variant (1).
Genome position (GRCh38, 1-based): chr5:90,725,096, T>C. VCF-style: chr5-90725096-T-C. GRCh37 (hg19) VCF-style: chr5-90020913-T-C.
Other names: short protein forms I3306T.
Identifiers: ClinVar variation 2010180 (VCV002010180.4), dbSNP rs748969174, ClinGen allele CA3340629.